The following is an entry in ClinVar:

NM_005677.4(COLQ):c.1298+3A>G

Gene: COLQ (collagen like tail subunit of asymmetric acetylcholinesterase; minus strand). Cytogenetic location: 3p25.1.
Variant type: single nucleotide variant.
Coding change: c.1298+3A>G on transcript NM_005677.4 (MANE Select); 3 bases into the intron after coding-DNA position 1298, A replaced by G.
Molecular consequence: intron variant.
Genome position (GRCh38, 1-based): chr3:15,453,826, T>C on the plus strand (A>G on the coding strand, the complement: COLQ is on the minus strand). VCF-style: chr3-15453826-T-C. GRCh37 (hg19) VCF-style: chr3-15495333-T-C.
Other names: IVS16DS, A-G, +3; c.1196+3A>G (NM_080539.4); c.1268+3A>G (NM_080538.2).
Identifiers: ClinVar variation 6656 (VCV000006656.8), dbSNP rs1384843815, ClinGen allele CA541360442.

ClinVar aggregate classification (germline): Pathogenic. Review status: criteria provided, multiple submitters, no conflicts (2 of 4 stars). 3 submissions from 3 submitters: Pathogenic (2). 1 of the submissions does not count toward it. Last evaluated 2022-11-28.

Conditions:
Congenital myasthenic syndrome (CMS). Also called: Congenital Myasthenic Syndromes. Identifiers: Orphanet 590, MedGen C0751882, MeSH D020294, MONDO:0018940.
Congenital myasthenic syndrome 5. Identifiers: Orphanet 590, MedGen C1864233, MONDO:0011281, OMIM 603034.

Allele frequency attached by ClinVar (database versions not stated): gnomAD exomes below 0.00001; TOPMed below 0.00001.
gnomAD v4.1: 5 of 1,592,502 alleles (0.00031%); highest among the groups gnomAD compares: East Asian, 0.0023%; no homozygotes.

Submissions (3):

Labcorp Genetics (formerly Invitae), Labcorp
Classification: Pathogenic for Congenital myasthenic syndrome 5. Last evaluated: 2022-11-28. Review status: criteria provided, single submitter. Criteria: Invitae Variant Classification Sherloc (09022015). Collection method: clinical testing. Allele origin: germline.
Comment: This variant has been observed in individual(s) with congenital myasthenic syndrome (PMID: 10441569, 27830186). In at least one individual the data is consistent with being in trans (on the opposite chromosome) from a pathogenic variant. It has also been observed to segregate with disease in related individuals. For these reasons, this variant has been classified as Pathogenic. Variants that disrupt the consensus splice site are a relatively common cause of aberrant splicing (PMID: 17576681, 9536098). Algorithms developed to predict the effect of sequence changes on RNA splicing suggest that this variant may disrupt the consensus splice site. ClinVar contains an entry for this variant (Variation ID: 6656). This variant is present in population databases (no rsID available, gnomAD 0.006%). This sequence change falls in intron 16 of the COLQ gene. It does not directly change the encoded amino acid sequence of the COLQ protein. It affects a nucleotide within the consensus splice site.

Women's Health and Genetics/Laboratory Corporation of America, LabCorp
Classification: Pathogenic for Congenital myasthenic syndrome. Last evaluated: 2022-10-14. Review status: criteria provided, single submitter. Criteria: LabCorp Variant Classification Summary - May 2015. Collection method: clinical testing. Allele origin: germline.
Comment: Variant summary: COLQ c.1298+3A>G alters a conserved nucleotide located close to a canonical splice site and therefore could affect mRNA splicing, leading to a significantly altered protein sequence. Several computational tools predict a significant impact on normal splicing: Three predict the variant abolishes the canonical 5' splicing donor site. At least one publication reports experimental evidence that this variant affects mRNA splicing resulting in skipping of exon 16 in a minigene assay (Ohno_1999). The variant allele was found at a frequency of 4.1e-06 in 241562 control chromosomes. c.1298+3A>G has been reported in the literature as a biallelic genotype in individuals affected with features of Congenital Myasthenic Syndrome (example, Ohno_1999, Wang_2016). These data indicate that the variant is likely to be associated with disease. One clinical diagnostic laboratory has submitted clinical-significance assessments for this variant to ClinVar after 2014 and classified the variant as pathogenic. Based on the evidence outlined above, the variant was classified as pathogenic.

OMIM
Classification: Pathogenic for MYASTHENIC SYNDROME, CONGENITAL, 5. Last evaluated: 1999-09-01. Review status: no assertion criteria provided. Collection method: literature only. Allele origin: germline. Not counted in ClinVar's aggregate classification.

Literature cited by the submitters: PubMed 10441569 (cited by 3 submitters); PubMed 27830186 (cited by Labcorp Genetics (formerly Invitae), Labcorp and Women's Health and Genetics/Laboratory Corporation of America, LabCorp); PubMed 17576681 (cited by Labcorp Genetics (formerly Invitae), Labcorp); PubMed 9536098 (cited by Labcorp Genetics (formerly Invitae), Labcorp).